The following is an entry in ClinVar:

ClinVar aggregate classification (germline): Uncertain significance (1 of 4 stars; one submission).

Conditions:
Familial thoracic aortic aneurysm and aortic dissection (TAAD). Also called: Thoracic aortic aneurysms and dissections. Identifiers: Orphanet 91387, MedGen C4707243, MONDO:0019625.
Marfan syndrome (MFS). Also called: MARFAN SYNDROME, TYPE I; Marfan syndrome type 1; Marfan's syndrome; Marfan syndrome, classic; FBN1-Related Marfan Syndrome. Identifiers: Orphanet 284963, Orphanet 558, MedGen C0024796, MONDO:0007947, OMIM 154700.

Submission:

Labcorp Genetics (formerly Invitae), Labcorp
Classification: Uncertain significance for Marfan syndrome; Familial thoracic aortic aneurysm and aortic dissection. Last evaluated: 2024-07-03. Review status: criteria provided, single submitter. Criteria: Invitae Variant Classification Sherloc (09022015). Collection method: clinical testing. Allele origin: germline.
Comment: This sequence change replaces glycine, which is neutral and non-polar, with aspartic acid, which is acidic and polar, at codon 509 of the FBN1 protein (p.Gly509Asp). This variant is not present in population databases (gnomAD no frequency). This variant has not been reported in the literature in individuals affected with FBN1-related conditions. ClinVar contains an entry for this variant (Variation ID: 2003833). Advanced modeling of protein sequence and biophysical properties (such as structural, functional, and spatial information, amino acid conservation, physicochemical variation, residue mobility, and thermodynamic stability) performed at Invitae indicates that this missense variant is expected to disrupt FBN1 protein function with a positive predictive value of 95%. In summary, the available evidence is currently insufficient to determine the role of this variant in disease. Therefore, it has been classified as a Variant of Uncertain Significance.

NM_000138.5(FBN1):c.1526G>A (p.Gly509Asp)

Gene: FBN1 (fibrillin 1; minus strand). Cytogenetic location: 15q21.1.
Variant type: single nucleotide variant.
Coding change: c.1526G>A on transcript NM_000138.5 (MANE Select); coding-DNA position 1526, G replaced by A.
Protein change: p.Gly509Asp; replaces glycine 509 with aspartic acid.
Molecular consequence: missense variant.
Genome position (GRCh38, 1-based): chr15:48,513,611, C>T on the plus strand (G>A on the coding strand, the complement: FBN1 is on the minus strand). VCF-style: chr15-48513611-C-T. GRCh37 (hg19) VCF-style: chr15-48805808-C-T.
Other names: c.1526G>A, p.Gly509Asp (NM_001406716.1); short protein forms G509D.
Identifiers: ClinVar variation 2003833 (VCV002003833.4), dbSNP rs2141327790, ClinGen allele CA392342492.